The following is an entry in ClinVar:

ClinVar aggregate classification (germline): Likely benign. Review status: criteria provided, multiple submitters, no conflicts (2 of 4 stars). 3 submissions from 3 submitters: Likely benign (3). Last evaluated 2025-10-10.

Conditions:
Amyloidosis, hereditary systemic 1 (AMYLD1). Also called: Hereditary Transthyretin Amyloidosis; Isolated Cardiac Amyloidosis; Amyloid Cardiomyopathy, Transthyretin-related; Familial amyloid polyneuropathy; Transthyretin Amyloidosis; AMYLOID CARDIOMYOPATHY. Identifiers: Orphanet 85447, Orphanet 85451, MedGen C2751492, MONDO:0971004, OMIM 105210.

Submissions (3):

Mayo Clinic Laboratories, Mayo Clinic
Classification: Likely benign. Last evaluated: 2025-10-10. Review status: criteria provided, single submitter. Criteria: ACMG Guidelines, 2015. Collection method: clinical testing. Allele origin: germline. Observed: 1 variant allele.
Comment: BP4, BP7

Labcorp Genetics (formerly Invitae), Labcorp
Classification: Likely benign for Amyloidosis, hereditary systemic 1. Last evaluated: 2023-04-06. Review status: criteria provided, single submitter. Criteria: Invitae Variant Classification Sherloc (09022015). Collection method: clinical testing. Allele origin: germline.

GeneDx
Classification: Likely benign. Last evaluated: 2017-10-31. Review status: criteria provided, single submitter. Criteria: GeneDx Variant Classification (06012015). Collection method: clinical testing. Allele origin: germline. Affected: yes.
Comment: This variant is considered likely benign or benign based on one or more of the following criteria: it is a conservative change, it occurs at a poorly conserved position in the protein, it is predicted to be benign by multiple in silico algorithms, and/or has population frequency not consistent with disease.

NM_000371.4(TTR):c.69+7G>A

Gene: TTR (transthyretin; plus strand). Cytogenetic location: 18q12.1.
Variant type: single nucleotide variant.
Coding change: c.69+7G>A on transcript NM_000371.4 (MANE Select); 7 bases into the intron after coding-DNA position 69, G replaced by A.
Molecular consequence: intron variant.
Genome position (GRCh38, 1-based): chr18:31,591,978, G>A. VCF-style: chr18-31591978-G-A. GRCh37 (hg19) VCF-style: chr18-29171941-G-A.
Other names: p.?.
Identifiers: ClinVar variation 513002 (VCV000513002.5), dbSNP rs1453023289, ClinGen allele CA658799022.
Genomic context (GRCh38, chr18:31,591,978, plus strand): 5'-CTGCTCCTCCTCTGCCTTGCTGGACTGGTATTTGTGTCTGAGGCTGGCCCTACGGTGAGT[G>A]TTTCTGTGACATCCCATTCCTACATTTAAGATTCACGCTAAATGAAGTAGAAGTGACTCC-3'